The following is an entry in ClinVar:

NM_014055.4(IFT81):c.826A>G (p.Met276Val)

Gene: IFT81 (intraflagellar transport 81; plus strand). Cytogenetic location: 12q24.11.
Variant type: single nucleotide variant.
Coding change: c.826A>G on transcript NM_014055.4 (MANE Select); coding-DNA position 826, A replaced by G.
Protein change: p.Met276Val; replaces methionine 276 with valine.
Molecular consequence: missense variant. On other transcripts: non-coding transcript variant (3), intron variant (2).
Genome position (GRCh38, 1-based): chr12:110,143,426, A>G. VCF-style: chr12-110143426-A-G. GRCh37 (hg19) VCF-style: chr12-110581231-A-G.
Other names: c.826A>G, p.Met276Val (NM_001143779.2, NM_001347946.2, NM_031473.4); c.16-3527A>G (NM_001347948.2, NM_001347947.2); short protein forms M276V.
Identifiers: ClinVar variation 941242 (VCV000941242.6), dbSNP rs777815051, ClinGen allele CA6783198.

ClinVar aggregate classification (germline): Uncertain significance. Review status: criteria provided, multiple submitters, no conflicts (2 of 4 stars). 2 submissions from 2 submitters: Uncertain significance (2). Last evaluated 2025-03-06.

Conditions:
Inborn genetic diseases. Identifiers: MedGen C0950123, MeSH D030342.

Allele frequency attached by ClinVar (database versions not stated): gnomAD exomes below 0.00001 and 0.00001; ExAC 0.00002; gnomAD 0.00005 and 0.00006; TOPMed 0.00005.
gnomAD v4.1: 15 of 1,488,496 alleles (0.001%); highest among the groups gnomAD compares: African/African-American, 0.016%; no homozygotes.

Submissions (2):

Ambry Genetics
Classification: Uncertain significance for Inborn genetic diseases. Last evaluated: 2025-03-06. Review status: criteria provided, single submitter. Criteria: Ambry Variant Classification Scheme 2023. Collection method: clinical testing. Allele origin: germline.

Labcorp Genetics (formerly Invitae), Labcorp
Classification: Uncertain significance. Last evaluated: 2022-09-19. Review status: criteria provided, single submitter. Criteria: Invitae Variant Classification Sherloc (09022015). Collection method: clinical testing. Allele origin: germline.
Comment: This sequence change replaces methionine, which is neutral and non-polar, with valine, which is neutral and non-polar, at codon 276 of the IFT81 protein (p.Met276Val). This variant is present in population databases (rs777815051, gnomAD 0.01%). This variant has not been reported in the literature in individuals affected with IFT81-related conditions. ClinVar contains an entry for this variant (Variation ID: 941242). Advanced modeling of protein sequence and biophysical properties (such as structural, functional, and spatial information, amino acid conservation, physicochemical variation, residue mobility, and thermodynamic stability) performed at Invitae indicates that this missense variant is not expected to disrupt IFT81 protein function. In summary, the available evidence is currently insufficient to determine the role of this variant in disease. Therefore, it has been classified as a Variant of Uncertain Significance.